The following is an entry in ClinVar:

ClinVar aggregate classification (germline): Benign (1 of 4 stars; one submission).

Allele frequency attached by ClinVar (database versions not stated): 1000 Genomes Project 30x 0.87039; 1000 Genomes Project 0.87939; TOPMed 0.85236; gnomAD 0.85402.
gnomAD v4.1: 130,475 of 152,212 alleles (86%); highest among the groups gnomAD compares: East Asian, 100%; 56,757 homozygotes.

Submission:

GeneDx
Classification: Benign. Last evaluated: 2018-06-18. Review status: criteria provided, single submitter. Criteria: GeneDx Variant Classification (06012015). Collection method: clinical testing. Allele origin: germline. Affected: yes.
Comment: This variant is considered likely benign or benign based on one or more of the following criteria: it is a conservative change, it occurs at a poorly conserved position in the protein, it is predicted to be benign by multiple in silico algorithms, and/or has population frequency not consistent with disease.

NM_000334.4(SCN4A):c.1037-304T>C

Gene: SCN4A (sodium voltage-gated channel alpha subunit 4; minus strand). Cytogenetic location: 17q23.3.
Variant type: single nucleotide variant.
Coding change: c.1037-304T>C on transcript NM_000334.4 (MANE Select); 304 bases into the intron before coding-DNA position 1037, T replaced by C.
Molecular consequence: intron variant.
Genome position (GRCh38, 1-based): chr17:63,966,848, A>G on the plus strand (T>C on the coding strand, the complement: SCN4A is on the minus strand). VCF-style: chr17-63966848-A-G. GRCh37 (hg19) VCF-style: chr17-62044208-A-G.
Identifiers: ClinVar variation 684253 (VCV000684253.1), dbSNP rs4968678, ClinGen allele CA14408169.